The following is an entry in ClinVar:

ClinVar aggregate classification (germline): Pathogenic/Likely pathogenic. Review status: criteria provided, multiple submitters, no conflicts (2 of 4 stars). 2 submissions from 2 submitters: Pathogenic (1); Likely pathogenic (1). Last evaluated 2022-11-08.

Conditions:
Hereditary spastic paraplegia. Also called: Familial spastic paraparesis. Identifiers: Orphanet 685, MedGen C0037773, MONDO:0019064. Disease mechanism: loss of function.
Hereditary spastic paraplegia 4. Also called: Familial spastic paraplegia autosomal dominant 2; Spastic Paraplegia 4; Spastic paraplegia 4, autosomal dominant. Identifiers: Orphanet 100985, MedGen C1866855, MONDO:0008438, OMIM 182601.

Submissions (2):

Labcorp Genetics (formerly Invitae), Labcorp
Classification: Pathogenic for Hereditary spastic paraplegia 4. Last evaluated: 2022-11-08. Review status: criteria provided, single submitter. Criteria: Invitae Variant Classification Sherloc (09022015). Collection method: clinical testing. Allele origin: germline.
Comment: For these reasons, this variant has been classified as Pathogenic. This variant disrupts the p.Pro384 amino acid residue in SPAST. Other variant(s) that disrupt this residue have been determined to be pathogenic (Invitae). This suggests that this residue is clinically significant, and that variants that disrupt this residue are likely to be disease-causing. Advanced modeling of protein sequence and biophysical properties (such as structural, functional, and spatial information, amino acid conservation, physicochemical variation, residue mobility, and thermodynamic stability) performed at Invitae indicates that this missense variant is expected to disrupt SPAST protein function. ClinVar contains an entry for this variant (Variation ID: 1344039). This missense change has been observed in individual(s) with hereditary spastic paraplegia (PMID: 29691679). In at least one individual the variant was observed to be de novo. This variant is not present in population databases (gnomAD no frequency). This sequence change replaces proline, which is neutral and non-polar, with arginine, which is basic and polar, at codon 384 of the SPAST protein (p.Pro384Arg).

Genome Diagnostics Laboratory, The Hospital for Sick Children
Classification: Likely pathogenic for Hereditary spastic paraplegia. Last evaluated: 2016-12-12. Review status: criteria provided, single submitter. Criteria: ACMG Guidelines, 2015. Collection method: clinical testing. Allele origin: germline. Affected: yes.

Literature cited by the submitters: PubMed 29691679 (cited by Labcorp Genetics (formerly Invitae), Labcorp).

NM_014946.4(SPAST):c.1151C>G (p.Pro384Arg)

Gene: SPAST (spastin; plus strand). Cytogenetic location: 2p22.3.
Variant type: single nucleotide variant.
Coding change: c.1151C>G on transcript NM_014946.4 (MANE Select); coding-DNA position 1151, C replaced by G.
Protein change: p.Pro384Arg; replaces proline 384 with arginine.
Molecular consequence: missense variant.
Genome position (GRCh38, 1-based): chr2:32,127,000, C>G. VCF-style: chr2-32127000-C-G. GRCh37 (hg19) VCF-style: chr2-32352069-C-G.
Other names: c.1148C>G, p.Pro383Arg (NM_001363823.2); c.1052C>G, p.Pro351Arg (NM_001363875.2); c.1055C>G, p.Pro352Arg (NM_001377959.1, NM_199436.2); short protein forms P351R, P352R, P383R, P384R.
Identifiers: ClinVar variation 1344039 (VCV001344039.8), dbSNP rs1573139616, ClinGen allele CA346501302.